The following is an entry in ClinVar:

ClinVar aggregate classification (germline): Likely benign. Review status: criteria provided, multiple submitters, no conflicts (2 of 4 stars). 9 submissions from 9 submitters: Likely benign (7). 2 of the submissions do not count toward it. Last evaluated 2026-01-11.

Conditions:
Glycogen storage disease, type II (IOPD). Also called: Glucosidase acid-1,4-alpha deficiency; GLYCOGENOSIS, GENERALIZED, CARDIAC FORM; GSD II; Glycogen storage disease type 2; Acid maltase deficiency disease; Aglucosidase alfa. Identifiers: Orphanet 365, MedGen C0017921, MONDO:0009290, OMIM 232300.
Cardiovascular phenotype. Identifiers: MedGen CN230736.

Allele frequency attached by ClinVar (database versions not stated): gnomAD 0.00002; TOPMed 0.00003; gnomAD exomes 0.00006 and 0.00007; ExAC 0.00007.
gnomAD v4.1: 90 of 1,612,952 alleles (0.0056%); highest among the groups gnomAD compares: Middle Eastern, 0.016%; no homozygotes.

Submissions (9):

Labcorp Genetics (formerly Invitae), Labcorp
Classification: Likely benign for Glycogen storage disease, type II. Last evaluated: 2026-01-11. Review status: criteria provided, single submitter. Criteria: Invitae Variant Classification Sherloc (09022015). Collection method: clinical testing. Allele origin: germline.

CeGaT Center for Human Genetics Tuebingen
Classification: Likely benign. Last evaluated: 2023-11-01. Review status: criteria provided, single submitter. Criteria: CeGaT Center For Human Genetics Tuebingen Variant Classification Criteria Version 2. Collection method: clinical testing. Allele origin: germline. Affected: yes. Observed: 3 variant alleles.
Comment: GAA: BP4, BP7

Ambry Genetics
Classification: Likely benign for Cardiovascular phenotype. Last evaluated: 2022-07-23. Review status: criteria provided, single submitter. Criteria: Ambry Variant Classification Scheme 2023. Collection method: clinical testing. Allele origin: germline.

Women's Health and Genetics/Laboratory Corporation of America, LabCorp
Classification: Likely benign. Last evaluated: 2022-03-18. Review status: criteria provided, single submitter. Criteria: LabCorp Variant Classification Summary - May 2015. Collection method: clinical testing. Allele origin: germline.

Genome-Nilou Lab
Classification: Likely benign for Glycogen storage disease, type II. Last evaluated: 2021-07-22. Review status: criteria provided, single submitter. Criteria: ACMG Guidelines, 2015. Collection method: clinical testing. Allele origin: germline. Affected: no.

Broad Center for Mendelian Genomics, Broad Institute of MIT and Harvard
Classification: Likely benign for Glycogen storage disease, type II. Last evaluated: 2020-01-22. Review status: criteria provided, single submitter. Criteria: ACMG Guidelines, 2015. Collection method: curation. Allele origin: germline. Inheritance: Autosomal recessive inheritance.
Comment: The c.1083G>A (p.Pro361=) variant in GAA has not been previously reported in individuals with Glycogen Storage Disease II but has been reported as a VUS by EGL Genetic Diagnostics and a likely benign variant by GeneDx in ClinVar (Variation ID: 501028). This variant has been identified in 0.014% (5/35348) of Latino chromosomes, 0.010% (2/19916) of East Asian chromosomes, and 0.008% (10/127740) of European (non-Finnish) chromosomes by the Genome Aggregation Database (gnomAD; dbSNP rs781379047). Although this variant has been seen in the general population, its frequency is low enough to be consistent with a recessive carrier frequency. Computational prediction tools and conservation analyses suggest that this variant may not impact the protein, though this information is not predictive enough to rule out pathogenicity. However, novel synonymous variants supported by computational evidence without raised suspicion for an impact are likely benign (Richards 2015). In summary, although additional studies are required to fully establish its clinical significance, this variant is likely benign. ACMG/AMP Criteria applied: PM2, BP4, BP7 (Richards 2015).

GeneDx
Classification: Likely benign. Last evaluated: 2017-10-06. Review status: criteria provided, single submitter. Criteria: GeneDx Variant Classification (06012015). Collection method: clinical testing. Allele origin: germline. Affected: yes.
Comment: This variant is considered likely benign or benign based on one or more of the following criteria: it is a conservative change, it occurs at a poorly conserved position in the protein, it is predicted to be benign by multiple in silico algorithms, and/or has population frequency not consistent with disease.

Natera, Inc.
Classification: Likely benign for Glycogen storage disease type II. Last evaluated: 2021-01-14. Review status: no assertion criteria provided. Collection method: clinical testing. Allele origin: germline. Not counted in ClinVar's aggregate classification.

Eurofins Ntd Llc (ga)
Classification: Uncertain significance. Last evaluated: 2017-03-23. Review status: flagged submission. Criteria: EGL Classification Definitions 2015. Collection method: clinical testing. Allele origin: germline. Observed: 1 variant allele, 1 heterozygote. Not counted in ClinVar's aggregate classification.
ClinVar note: Reason: Outlier claim with insufficient supporting evidence

NM_000152.5(GAA):c.1083G>A (p.Pro361=)

Gene: GAA (alpha glucosidase; plus strand). Cytogenetic location: 17q25.3.
Variant type: single nucleotide variant.
Coding change: c.1083G>A on transcript NM_000152.5 (MANE Select); coding-DNA position 1083, G replaced by A.
Protein change: p.Pro361=; no amino-acid change (proline 361 retained).
Molecular consequence: synonymous variant.
Genome position (GRCh38, 1-based): chr17:80,108,496, G>A. VCF-style: chr17-80108496-G-A. GRCh37 (hg19) VCF-style: chr17-78082295-G-A.
Other names: c.1083G>A (LRG_673t1, NM_000152.4); c.1083G>A, p.Pro361= (NM_001079803.3, NM_001079804.3).
Identifiers: ClinVar variation 501028 (VCV000501028.51), dbSNP rs781379047, ClinGen allele CA8815164.